The following is an entry in ClinVar:

ClinVar aggregate classification (germline): Uncertain significance (1 of 4 stars; one submission).

Submission:

Labcorp Genetics (formerly Invitae), Labcorp
Classification: Uncertain significance. Last evaluated: 2022-09-13. Review status: criteria provided, single submitter. Criteria: Invitae Variant Classification Sherloc (09022015). Collection method: clinical testing. Allele origin: germline.
Comment: This sequence change falls in intron 4 of the SLC25A12 gene. It does not directly change the encoded amino acid sequence of the SLC25A12 protein. It affects a nucleotide within the consensus splice site. This variant is not present in population databases (gnomAD no frequency). This variant has not been reported in the literature in individuals affected with SLC25A12-related conditions. Variants that disrupt the consensus splice site are a relatively common cause of aberrant splicing (PMID: 17576681, 9536098). Algorithms developed to predict the effect of sequence changes on RNA splicing suggest that this variant is not likely to affect RNA splicing. In summary, the available evidence is currently insufficient to determine the role of this variant in disease. Therefore, it has been classified as a Variant of Uncertain Significance.

Literature cited by the submitters: PubMed 17576681; PubMed 9536098.

NM_003705.5(SLC25A12):c.325+6G>A

Gene: SLC25A12 (solute carrier family 25 member 12; minus strand). Cytogenetic location: 2q31.1.
Variant type: single nucleotide variant.
Coding change: c.325+6G>A on transcript NM_003705.5 (MANE Select); 6 bases into the intron after coding-DNA position 325, G replaced by A.
Molecular consequence: intron variant.
Genome position (GRCh38, 1-based): chr2:171,855,828, C>T on the plus strand (G>A on the coding strand, the complement: SLC25A12 is on the minus strand). VCF-style: chr2-171855828-C-T. GRCh37 (hg19) VCF-style: chr2-172712338-C-T.
Identifiers: ClinVar variation 2147954 (VCV002147954.4), dbSNP rs2545255364, ClinGen allele CA2580064505.